The following is an entry in ClinVar:

ClinVar aggregate classification (germline): Likely benign. Review status: criteria provided, multiple submitters, no conflicts (2 of 4 stars). 3 submissions from 3 submitters: Likely benign (3). Last evaluated 2025-09-06.

Conditions:
Autosomal recessive limb-girdle muscular dystrophy type 2J (LGMDR10). Also called: Limb-girdle muscular dystrophy, type 2J; MUSCULAR DYSTROPHY, LIMB-GIRDLE, AUTOSOMAL RECESSIVE 10. Identifiers: Orphanet 140922, MedGen C1837342, MONDO:0012127, OMIM 608807.
Dilated cardiomyopathy 1G (CMD1G). Identifiers: Orphanet 154, MedGen C1858763, MONDO:0011400, OMIM 604145.
Cardiovascular phenotype. Identifiers: MedGen CN230736.

Allele frequency attached by ClinVar (database versions not stated): gnomAD exomes below 0.00001; TOPMed below 0.00001.
gnomAD v4.1: 1 of 1,613,410 alleles (0.000062%); highest among the groups gnomAD compares: Non-Finnish European, 0.000085%; no homozygotes.

Submissions (3):

Labcorp Genetics (formerly Invitae), Labcorp
Classification: Likely benign for Dilated cardiomyopathy 1G; Autosomal recessive limb-girdle muscular dystrophy type 2J. Last evaluated: 2025-09-06. Review status: criteria provided, single submitter. Criteria: Invitae Variant Classification Sherloc (09022015). Collection method: clinical testing. Allele origin: germline.

Ambry Genetics
Classification: Likely benign for Cardiovascular phenotype. Last evaluated: 2022-01-04. Review status: criteria provided, single submitter. Criteria: Ambry Variant Classification Scheme 2023. Collection method: clinical testing. Allele origin: germline.

Laboratory for Molecular Medicine, Mass General Brigham Personalized Medicine
Classification: Likely benign. Last evaluated: 2015-05-01. Review status: criteria provided, single submitter. Criteria: LMM Criteria. Collection method: clinical testing. Allele origin: germline. Observed: 1 variant allele.
Comment: p.Ile26562Ile in exon 277 of TTN: This variant is not expected to have clinical significance because it does not alter an amino acid residue and is not located within the splice consensus sequence.

NM_001267550.2(TTN):c.87390T>A (p.Ile29130=)

Genes: TTN (titin; minus strand), TTN-AS1 (TTN antisense RNA 1; plus strand). Cytogenetic location: 2q31.2.
Variant type: single nucleotide variant.
Coding change: c.87390T>A on transcript NM_001267550.2 (MANE Select); coding-DNA position 87390, T replaced by A.
Protein change: p.Ile29130=; no amino-acid change (isoleucine 29130 retained).
Molecular consequence: synonymous variant.
Genome position (GRCh38, 1-based): chr2:178,557,964, A>T on the plus strand (T>A on the coding strand, the complement: TTN is on the minus strand). VCF-style: chr2-178557964-A-T. GRCh37 (hg19) VCF-style: chr2-179422691-A-T.
Other names: c.79686T>A, p.Ile26562= (NM_133378.4); c.82467T>A, p.Ile27489= (NM_001256850.1); c.60195T>A, p.Ile20065= (NM_003319.4); c.60570T>A, p.Ile20190= (NM_133432.3); c.60771T>A, p.Ile20257= (NM_133437.4).
Identifiers: ClinVar variation 228160 (VCV000228160.15), dbSNP rs876657616, ClinGen allele CA10576465.